The following is an entry in ClinVar:

NM_152383.5(DIS3L2):c.2108T>A (p.Ile703Asn)

Gene: DIS3L2 (DIS3 like 3'-5' exoribonuclease 2; plus strand). Cytogenetic location: 2q37.1.
Variant type: single nucleotide variant.
Coding change: c.2108T>A on transcript NM_152383.5 (MANE Select); coding-DNA position 2108, T replaced by A.
Protein change: p.Ile703Asn; replaces isoleucine 703 with asparagine.
Molecular consequence: missense variant. On other transcripts: non-coding transcript variant (2), intron variant (1).
Genome position (GRCh38, 1-based): chr2:232,333,937, T>A. VCF-style: chr2-232333937-T-A. GRCh37 (hg19) VCF-style: chr2-233198647-T-A.
Other names: c.1582-9408T>A (NM_001257281.2); short protein forms I703N.
Identifiers: ClinVar variation 2735378 (VCV002735378.3), dbSNP rs2469446597, ClinGen allele CA350977497.

ClinVar aggregate classification (germline): Uncertain significance (1 of 4 stars; one submission).

Conditions:
Perlman syndrome (PRLMNS). Identifiers: Orphanet 2849, MedGen C0796113, MONDO:0009965, OMIM 267000.

Submission:

Labcorp Genetics (formerly Invitae), Labcorp
Classification: Uncertain significance for Perlman syndrome. Last evaluated: 2023-07-03. Review status: criteria provided, single submitter. Criteria: Invitae Variant Classification Sherloc (09022015). Collection method: clinical testing. Allele origin: germline.
Comment: This sequence change replaces isoleucine, which is neutral and non-polar, with asparagine, which is neutral and polar, at codon 703 of the DIS3L2 protein (p.Ile703Asn). This variant is not present in population databases (gnomAD no frequency). This variant has not been reported in the literature in individuals affected with DIS3L2-related conditions. Advanced modeling of protein sequence and biophysical properties (such as structural, functional, and spatial information, amino acid conservation, physicochemical variation, residue mobility, and thermodynamic stability) performed at Invitae indicates that this missense variant is expected to disrupt DIS3L2 protein function. In summary, the available evidence is currently insufficient to determine the role of this variant in disease. Therefore, it has been classified as a Variant of Uncertain Significance.